The following is an entry in ClinVar:

NM_014804.3(KIAA0753):c.1834G>A (p.Ala612Thr)

Gene: KIAA0753 (KIAA0753; minus strand). Cytogenetic location: 17p13.1.
Variant type: single nucleotide variant.
Coding change: c.1834G>A on transcript NM_014804.3 (MANE Select); coding-DNA position 1834, G replaced by A.
Protein change: p.Ala612Thr; replaces alanine 612 with threonine.
Molecular consequence: missense variant. On other transcripts: non-coding transcript variant (3).
Genome position (GRCh38, 1-based): chr17:6,607,266, C>T on the plus strand (G>A on the coding strand, the complement: KIAA0753 is on the minus strand). VCF-style: chr17-6607266-C-T. GRCh37 (hg19) VCF-style: chr17-6510586-C-T.
Other names: c.937G>A, p.Ala313Thr (NM_001351225.2); c.1834G>A (NM_014804.2); short protein forms A612T, A313T.
Identifiers: ClinVar variation 1959717 (VCV001959717.3), dbSNP rs770565924, ClinGen allele CA8330360.

ClinVar aggregate classification (germline): Uncertain significance. Review status: criteria provided, multiple submitters, no conflicts (2 of 4 stars). 2 submissions from 2 submitters: Uncertain significance (2). Last evaluated 2025-09-10.

Conditions:
Inborn genetic diseases. Identifiers: MedGen C0950123, MeSH D030342.

Allele frequency attached by ClinVar (database versions not stated): ExAC 0.00001; gnomAD exomes 0.00001; gnomAD 0.00003.
gnomAD v4.1: 17 of 1,613,846 alleles (0.0011%); highest among the groups gnomAD compares: Admixed American, 0.0083%; no homozygotes.

Submissions (2):

Ambry Genetics
Classification: Uncertain significance for Inborn genetic diseases. Last evaluated: 2025-09-10. Review status: criteria provided, single submitter. Criteria: Ambry Variant Classification Scheme 2023. Collection method: clinical testing. Allele origin: germline.

Labcorp Genetics (formerly Invitae), Labcorp
Classification: Uncertain significance. Last evaluated: 2022-07-05. Review status: criteria provided, single submitter. Criteria: Invitae Variant Classification Sherloc (09022015). Collection method: clinical testing. Allele origin: germline.
Comment: This sequence change replaces alanine, which is neutral and non-polar, with threonine, which is neutral and polar, at codon 612 of the KIAA0753 protein (p.Ala612Thr). This variant is present in population databases (rs770565924, gnomAD 0.006%). This variant has not been reported in the literature in individuals affected with KIAA0753-related conditions. Algorithms developed to predict the effect of missense changes on protein structure and function output the following: SIFT: "Deleterious"; PolyPhen-2: "Possibly Damaging"; Align-GVGD: "Class C0". The threonine amino acid residue is found in multiple mammalian species, which suggests that this missense change does not adversely affect protein function. In summary, the available evidence is currently insufficient to determine the role of this variant in disease. Therefore, it has been classified as a Variant of Uncertain Significance.